The following is an entry in ClinVar:

NM_000127.3(EXT1):c.435del (p.Ser146fs)

Gene: EXT1 (exostosin glycosyltransferase 1; minus strand). Cytogenetic location: 8q24.11.
Variant type: Deletion.
Coding change: c.435del on transcript NM_000127.3 (MANE Select); coding-DNA position 435, one base deleted (C; older notation c.435delC).
Protein change: p.Ser146fs; shifts the reading frame from serine 146.
Molecular consequence: frameshift variant.
Genome position (GRCh38, 1-based): chr8:118,110,612, G deleted on the plus strand (C on the coding strand, the reverse complement: EXT1 is on the minus strand); the first of 2 consecutive G bases (chr8:118,110,612-118,110,613); deleting either gives the same sequence. VCF-style (leftmost placement, unchanged base first): chr8-118110611-AG-A. GRCh37 (hg19) VCF-style: chr8-119122850-AG-A.
Other names: short protein forms S146fs.
Identifiers: ClinVar variation 1431581 (VCV001431581.6), dbSNP rs2130043490, ClinGen allele CA2573142832.

ClinVar aggregate classification (germline): Pathogenic (1 of 4 stars; one submission).

Conditions:
Multiple congenital exostosis (EXT). Also called: Hereditary multiple exostoses; Hereditary multiple exostosis; Multiple exostoses; Multiple osteochondromas; MULTIPLE CARTILAGINOUS EXOSTOSES; Hereditary multiple osteochondromas. Identifiers: Orphanet 321, MedGen C0015306, MONDO:0005508, HP:0002762.

Submission:

Labcorp Genetics (formerly Invitae), Labcorp
Classification: Pathogenic for Multiple congenital exostosis. Last evaluated: 2021-03-21. Review status: criteria provided, single submitter. Criteria: Invitae Variant Classification Sherloc (09022015). Collection method: clinical testing. Allele origin: germline.
Comment: This sequence change creates a premature translational stop signal (p.Ser146Argfs*11) in the EXT1 gene. It is expected to result in an absent or disrupted protein product. Loss-of-function variants in EXT1 are known to be pathogenic (PMID: 10679937, 11391482, 19810120). For these reasons, this variant has been classified as Pathogenic. This variant has not been reported in the literature in individuals with EXT1-related conditions. This variant is not present in population databases (ExAC no frequency).

Literature cited by the submitters: PubMed 10679937; PubMed 11391482; PubMed 19810120.